The following is an entry in ClinVar:

ClinVar aggregate classification (germline): Benign (0 of 4 stars; one submission).

Conditions:
ACTN3-related disorder. Also called: ACTN3-related condition.

Allele frequency attached by ClinVar (database versions not stated): gnomAD 0.00038; 1000 Genomes Project 0.00280; TOPMed 0.00008; 1000 Genomes Project 30x 0.00297; ExAC 0.00791.

Submission:

PreventionGenetics, part of Exact Sciences
Classification: Benign for ACTN3-related condition. Last evaluated: 2019-04-05. Review status: no assertion criteria provided. Collection method: clinical testing. Allele origin: germline.
Comment: This variant is classified as benign based on ACMG/AMP sequence variant interpretation guidelines (Richards et al. 2015 PMID: 25741868, with internal and published modifications).

NM_001258371.3(ACTN3):c.252C>T (p.Pro84=)

Gene: ACTN3 (actinin alpha 3; plus strand). Cytogenetic location: 11q13.2.
Variant type: single nucleotide variant.
Coding change: c.252C>T on transcript NM_001258371.3; coding-DNA position 252, C replaced by T.
Protein change: p.Pro84=; no amino-acid change (proline 84 retained).
Molecular consequence: synonymous variant.
Genome position (GRCh38, 1-based): chr11:66,546,762, C>T. VCF-style: chr11-66546762-C-T. GRCh37 (hg19) VCF-style: chr11-66314233-C-T.
Identifiers: ClinVar variation 3045587 (VCV003045587.2), dbSNP rs368835939, ClinGen allele CA6124134.